The following is an entry in ClinVar:

ClinVar aggregate classification (germline): Uncertain significance (1 of 4 stars; one submission).

Conditions:
Epileptic encephalopathy. Identifiers: MedGen C0543888, HP:0200134.

Submission:

Labcorp Genetics (formerly Invitae), Labcorp
Classification: Uncertain significance for Epileptic encephalopathy. Last evaluated: 2025-07-30. Review status: criteria provided, single submitter. Criteria: Invitae Variant Classification Sherloc (09022015). Collection method: clinical testing. Allele origin: germline.
Comment: This sequence change replaces glycine, which is neutral and non-polar, with serine, which is neutral and polar, at codon 52 of the FASN protein (p.Gly52Ser). This variant is present in population databases (rs745658780, gnomAD 0.003%). This variant has not been reported in the literature in individuals affected with FASN-related conditions. An algorithm developed to predict the effect of missense changes on protein structure and function (PolyPhen-2) suggests that this variant is likely to be disruptive. In summary, the available evidence is currently insufficient to determine the role of this variant in disease. Therefore, it has been classified as a Variant of Uncertain Significance.

NM_004104.5(FASN):c.154G>A (p.Gly52Ser)

Gene: FASN (fatty acid synthase; minus strand). Cytogenetic location: 17q25.3.
Variant type: single nucleotide variant.
Coding change: c.154G>A on transcript NM_004104.5 (MANE Select); coding-DNA position 154, G replaced by A.
Protein change: p.Gly52Ser; replaces glycine 52 with serine.
Molecular consequence: missense variant.
Genome position (GRCh38, 1-based): chr17:82,095,446, C>T on the plus strand (G>A on the coding strand, the complement: FASN is on the minus strand). VCF-style: chr17-82095446-C-T. GRCh37 (hg19) VCF-style: chr17-80053322-C-T.
Other names: short protein forms G52S.
Identifiers: ClinVar variation 4760124 (VCV004760124.1).